The following is an entry in ClinVar:

NM_000071.3(CBS):c.221C>T (p.Pro74Leu)

Gene: CBS (cystathionine beta-synthase; minus strand). Cytogenetic location: 21q22.3.
Variant type: single nucleotide variant.
Coding change: c.221C>T on transcript NM_000071.3 (MANE Select); coding-DNA position 221, C replaced by T.
Protein change: p.Pro74Leu; replaces proline 74 with leucine.
Molecular consequence: missense variant.
Genome position (GRCh38, 1-based): chr21:43,068,604, G>A on the plus strand (C>T on the coding strand, the complement: CBS is on the minus strand). VCF-style: chr21-43068604-G-A. GRCh37 (hg19) VCF-style: chr21-44488714-G-A.
Other names: p.Pro74Leu; c.221C>T, p.Pro74Leu (NM_001178008.3, NM_001178009.3, NM_001320298.2); short protein forms P74L.
Identifiers: ClinVar variation 519593 (VCV000519593.18), dbSNP rs762862715, ClinGen allele CA321100449.

ClinVar aggregate classification (germline): Uncertain significance. Review status: criteria provided, multiple submitters, no conflicts (2 of 4 stars). 6 submissions from 6 submitters: Uncertain significance (5). 1 of the submissions does not count toward it. Last evaluated 2026-06-23.

Conditions:
Familial thoracic aortic aneurysm and aortic dissection (TAAD). Also called: Thoracic aortic aneurysms and dissections. Identifiers: Orphanet 91387, MedGen C4707243, MONDO:0019625.
HYPERHOMOCYSTEINEMIA, THROMBOTIC, CBS-RELATED. Identifiers: MedGen C3150344, OMIM 236200.
Classic homocystinuria. Also called: Homocystinuria due to CBS deficiency; Cystathionine beta-synthase deficiency; CBS deficiency; Homocystinuria due to Cystathionine Beta-Synthase Deficiency; HOMOCYSTINURIA WITH OR WITHOUT RESPONSE TO PYRIDOXINE. Identifiers: Orphanet 394, MedGen C0751202, MONDO:0009352, OMIM 236200.

Allele frequency attached by ClinVar (database versions not stated): gnomAD 0.00011 and 0.00010; ExAC 0.00010; gnomAD exomes 0.00007 and 0.00018.
gnomAD v4.1: 26 of 379,780 alleles (0.0068%); highest among the groups gnomAD compares: Admixed American, 0.097%; no homozygotes.

Submissions (6):

Women's Health and Genetics/Laboratory Corporation of America, LabCorp
Classification: Uncertain significance. Last evaluated: 2026-06-23. Review status: criteria provided, single submitter. Criteria: LabCorp Variant Classification Summary - May 2015. Collection method: clinical testing. Allele origin: germline.
Comment: Variant summary: CBS c.221C>T (p.Pro74Leu) results in a non-conservative amino acid change in the encoded protein sequence. Algorithms developed to predict the effect of missense changes on protein structure and function all suggest that this variant is likely to be disruptive. The variant allele was found at a frequency of 0.00018 in 250914 control chromosomes. This frequency is not significantly higher than estimated for disease-causing variants in CBS, allowing no conclusion about variant significance. To our knowledge, no occurrence of c.221C>T in individuals affected with CBS-related conditions and no experimental evidence demonstrating its impact on protein function have been reported. ClinVar contains an entry for this variant (Variation ID: 519593). Based on the evidence outlined above, the variant was classified as uncertain significance.

Labcorp Genetics (formerly Invitae), Labcorp
Classification: Uncertain significance for HYPERHOMOCYSTEINEMIA, THROMBOTIC, CBS-RELATED. Last evaluated: 2026-01-05. Review status: criteria provided, single submitter. Criteria: Invitae Variant Classification Sherloc (09022015). Collection method: clinical testing. Allele origin: germline.
Comment: This sequence change replaces proline, which is neutral and non-polar, with leucine, which is neutral and non-polar, at codon 74 of the CBS protein (p.Pro74Leu). This variant is present in population databases (rs762862715, gnomAD 0.1%). This variant has not been reported in the literature in individuals affected with CBS-related conditions. ClinVar contains an entry for this variant (Variation ID: 519593). Invitae Evidence Modeling of protein sequence and biophysical properties (such as structural, functional, and spatial information, amino acid conservation, physicochemical variation, residue mobility, and thermodynamic stability) indicates that this missense variant is expected to disrupt CBS protein function with a positive predictive value of 95%. In summary, the available evidence is currently insufficient to determine the role of this variant in disease. Therefore, it has been classified as a Variant of Uncertain Significance.

Ambry Genetics
Classification: Uncertain significance for Familial thoracic aortic aneurysm and aortic dissection. Last evaluated: 2023-09-28. Review status: criteria provided, single submitter. Criteria: Ambry Variant Classification Scheme 2023. Collection method: clinical testing. Allele origin: germline.
Comment: The p.P74L variant (also known as c.221C>T), located in coding exon 2 of the CBS gene, results from a C to T substitution at nucleotide position 221. The proline at codon 74 is replaced by leucine, an amino acid with similar properties. This amino acid position is well conserved in available vertebrate species. In addition, the in silico prediction for this alteration is inconclusive. Since supporting evidence is limited at this time, the clinical significance of this alteration remains unclear.

Mayo Clinic Laboratories, Mayo Clinic
Classification: Uncertain significance. Last evaluated: 2023-06-28. Review status: criteria provided, single submitter. Criteria: ACMG Guidelines, 2015. Collection method: clinical testing. Allele origin: germline. Observed: 1 variant allele.

GeneDx
Classification: Uncertain significance. Last evaluated: 2020-09-02. Review status: criteria provided, single submitter. Criteria: GeneDx Variant Classification Process June 2021. Collection method: clinical testing. Allele origin: germline. Affected: yes.
Comment: In silico analysis supports that this missense variant has a deleterious effect on protein structure/function; Has not been previously published as pathogenic or benign to our knowledge

Natera, Inc.
Classification: Uncertain significance for Homocystinuria due to cystathionine beta-synthase deficiency. Last evaluated: 2019-10-28. Review status: no assertion criteria provided. Collection method: clinical testing. Allele origin: germline. Not counted in ClinVar's aggregate classification.